The following is an entry in ClinVar:

ClinVar aggregate classification (germline): Uncertain significance. Review status: criteria provided, multiple submitters, no conflicts (2 of 4 stars). 3 submissions from 3 submitters: Uncertain significance (3). Last evaluated 2025-09-14.

Conditions:
Frasier syndrome. Identifiers: Orphanet 347, MedGen C0950122, MeSH D052159, MONDO:0007635, OMIM 136680.
Wilms tumor 1 (WT1). Also called: Wilms tumor, somatic. Identifiers: Orphanet 654, MedGen CN033288, MONDO:0008679, OMIM 194070.
11p partial monosomy syndrome (WAGR). Also called: CHROMOSOME 11p13 DELETION SYNDROME; WAGR syndrome; WAGR Complex; WAGR Spectrum Disorder. Identifiers: Orphanet 893, MedGen C0206115, MONDO:0008681, OMIM 194072.
Drash syndrome (DDS). Also called: WILMS TUMOR AND PSEUDO- OR TRUE HERMAPHRODITISM; NEPHROPATHY, WILMS TUMOR, AND GENITAL ANOMALIES. Identifiers: Orphanet 220, MedGen C0950121, MONDO:0008682, OMIM 194080.
Inborn genetic diseases. Identifiers: MedGen C0950123, MeSH D030342.

Allele frequency attached by ClinVar (database versions not stated): gnomAD exomes below 0.00001.
gnomAD v4.1: 2 of 1,488,054 alleles (0.00013%); highest among the groups gnomAD compares: Non-Finnish European, 0.00018%; no homozygotes.

Submissions (3):

GeneDx
Classification: Uncertain significance. Last evaluated: 2025-09-14. Review status: criteria provided, single submitter. Criteria: GeneDx Variant Classification Process June 2021. Collection method: clinical testing. Allele origin: germline. Affected: yes.
Comment: Not observed at significant frequency in large population cohorts (gnomAD); In silico analysis supports that this missense variant has a deleterious effect on protein structure/function; Has not been previously published as pathogenic or benign to our knowledge; This variant is associated with the following publications: (PMID: 8486616)

Ambry Genetics
Classification: Uncertain significance for Inborn genetic diseases. Last evaluated: 2025-05-03. Review status: criteria provided, single submitter. Criteria: Ambry Variant Classification Scheme 2023. Collection method: clinical testing. Allele origin: germline.
Comment: The p.C92R variant (also known as c.274T>C), located in coding exon 1 of the WT1 gene, results from a T to C substitution at nucleotide position 274. The cysteine at codon 92 is replaced by arginine, an amino acid with highly dissimilar properties. This amino acid position is conserved. In addition, the in silico prediction for this alteration is inconclusive. Based on the available evidence, the clinical significance of this variant remains unclear.

Labcorp Genetics (formerly Invitae), Labcorp
Classification: Uncertain significance for Wilms tumor 1; Drash syndrome; 11p partial monosomy syndrome; Frasier syndrome. Last evaluated: 2024-07-23. Review status: criteria provided, single submitter. Criteria: Invitae Variant Classification Sherloc (09022015). Collection method: clinical testing. Allele origin: germline.
Comment: This sequence change replaces cysteine, which is neutral and slightly polar, with arginine, which is basic and polar, at codon 92 of the WT1 protein (p.Cys92Arg). This variant is not present in population databases (gnomAD no frequency). This variant has not been reported in the literature in individuals affected with WT1-related conditions. ClinVar contains an entry for this variant (Variation ID: 1425141). An algorithm developed to predict the effect of missense changes on protein structure and function (PolyPhen-2) suggests that this variant is likely to be disruptive. In summary, the available evidence is currently insufficient to determine the role of this variant in disease. Therefore, it has been classified as a Variant of Uncertain Significance.

NM_024426.6(WT1):c.289T>C (p.Cys97Arg)

Genes: WT1 (WT1 transcription factor; minus strand), LOC107982234 (WT1/WT1-AS bi-directional promoter region; plus strand). Cytogenetic location: 11p13.
Variant type: single nucleotide variant.
Coding change: c.289T>C on transcript NM_024426.6 (MANE Select); coding-DNA position 289, T replaced by C.
Protein change: p.Cys97Arg; replaces cysteine 97 with arginine.
Molecular consequence: missense variant. On other transcripts: non-coding transcript variant (1).
Genome position (GRCh38, 1-based): chr11:32,435,072, A>G on the plus strand (T>C on the coding strand, the complement: WT1 is on the minus strand). VCF-style: chr11-32435072-A-G. GRCh37 (hg19) VCF-style: chr11-32456618-A-G.
Other names: c.289T>C, p.Cys97Arg (NM_000378.6, NM_024424.5); c.274T>C (NM_024426.4); short protein forms C97R.
Identifiers: ClinVar variation 1425141 (VCV001425141.10), dbSNP rs1383360383, ClinGen allele CA379965997.